The following is an entry in ClinVar:

ClinVar aggregate classification (germline): Uncertain significance (1 of 4 stars; one submission).

Submission:

Labcorp Genetics (formerly Invitae), Labcorp
Classification: Uncertain significance. Last evaluated: 2022-06-10. Review status: criteria provided, single submitter. Criteria: Invitae Variant Classification Sherloc (09022015). Collection method: clinical testing. Allele origin: germline.
Comment: Algorithms developed to predict the effect of missense changes on protein structure and function are either unavailable or do not agree on the potential impact of this missense change (SIFT: "Deleterious"; PolyPhen-2: "Benign"; Align-GVGD: "Class C0"). This variant has not been reported in the literature in individuals affected with COQ2-related conditions. This variant is not present in population databases (gnomAD no frequency). This sequence change replaces histidine, which is basic and polar, with leucine, which is neutral and non-polar, at codon 33 of the COQ2 protein (p.His33Leu). In summary, the available evidence is currently insufficient to determine the role of this variant in disease. Therefore, it has been classified as a Variant of Uncertain Significance.

NC_000004.12:g.83284817T>A

Genes: COQ2 (coenzyme Q2, polyprenyltransferase; minus strand), LOC112997540 (Sharpr-MPRA regulatory region 13773; plus strand). Cytogenetic location: 4q21.23.
Variant type: single nucleotide variant.
Molecular consequence: missense variant (on NM_015697.9).
Genome position: GRCh38 VCF-style: chr4-83284817-T-A. GRCh37 (hg19) VCF-style: chr4-84205970-T-A.
Other names: c.98A>T, p.His33Leu (NM_015697.9); short protein forms H33L.
Identifiers: ClinVar variation 2004290 (VCV002004290.4), dbSNP rs1357450602, ClinGen allele CA357231362.
Genomic context (GRCh38, chr4:83,284,817, plus strand): 5'-CCCAGCATGGCGCTGGTGAGGCCGGGACGAGCTCGGATTGACGTCATTCCCCGGCAGGCA[T>A]GCGCAGTGGCACCCGCAGGATGCAATCCTAGTCTGCCAGGCTGGGCGGCGGTGTGGGCAG-3'